The following is an entry in ClinVar:

NM_000016.6(ACADM):c.191C>T (p.Ala64Val)

Gene: ACADM (acyl-CoA dehydrogenase medium chain; plus strand). Cytogenetic location: 1p31.1.
Variant type: single nucleotide variant.
Coding change: c.191C>T on transcript NM_000016.6 (MANE Select); coding-DNA position 191, C replaced by T.
Protein change: p.Ala64Val; replaces alanine 64 with valine.
Molecular consequence: missense variant. On other transcripts: 5 prime UTR variant (1).
Genome position (GRCh38, 1-based): chr1:75,732,716, C>T. VCF-style: chr1-75732716-C-T. GRCh37 (hg19) VCF-style: chr1-76198401-C-T.
Other names: c.203C>T, p.Ala68Val (NM_001127328.3); c.83C>T, p.Ala28Val (NM_001286042.2); c.191C>T, p.Ala64Val (NM_001286043.2); c.-195C>T (NM_001286044.2); short protein forms A64V, A68V, A28V.
Identifiers: ClinVar variation 3664748 (VCV003664748.3).

ClinVar aggregate classification (germline): Uncertain significance. Review status: criteria provided, single submitter (1 of 4 stars). 2 submissions from 2 submitters: Uncertain significance (1). 1 of the submissions does not count toward it. Last evaluated 2024-10-10.

Conditions:
Medium-chain acyl-coenzyme A dehydrogenase deficiency (ACADMD). Also called: ACADM DEFICIENCY; MCADH DEFICIENCY; CARNITINE DEFICIENCY SECONDARY TO MEDIUM-CHAIN ACYL-CoA DEHYDROGENASE DEFICIENCY; Medium chain acyl-CoA dehydrogenase deficiency; MCADD; MCAD Deficiency. Identifiers: Orphanet 42, MedGen C0220710, MONDO:0008721, OMIM 201450.

gnomAD v4.1: 3 of 1,613,888 alleles (0.00019%); highest among the groups gnomAD compares: Non-Finnish European, 0.00025%; no homozygotes.

Submissions (2):

Labcorp Genetics (formerly Invitae), Labcorp
Classification: Uncertain significance for Medium-chain acyl-coenzyme A dehydrogenase deficiency. Last evaluated: 2024-10-10. Review status: criteria provided, single submitter. Criteria: Invitae Variant Classification Sherloc (09022015). Collection method: clinical testing. Allele origin: germline.
Comment: This sequence change replaces alanine, which is neutral and non-polar, with valine, which is neutral and non-polar, at codon 64 of the ACADM protein (p.Ala64Val). This variant is not present in population databases (gnomAD no frequency). This variant has not been reported in the literature in individuals affected with ACADM-related conditions. Invitae Evidence Modeling of protein sequence and biophysical properties (such as structural, functional, and spatial information, amino acid conservation, physicochemical variation, residue mobility, and thermodynamic stability) indicates that this missense variant is not expected to disrupt ACADM protein function with a negative predictive value of 80%. In summary, the available evidence is currently insufficient to determine the role of this variant in disease. Therefore, it has been classified as a Variant of Uncertain Significance.

Natera, Inc.
Classification: Uncertain significance for Medium Chain Acyl-CoA Dehydrogenase Deficiency. Last evaluated: 2025-03-06. Review status: no assertion criteria provided. Collection method: clinical testing. Allele origin: germline. Not counted in ClinVar's aggregate classification.